The following is an entry in ClinVar:

NM_182931.3(KMT2E):c.240A>C (p.Pro80=)

Gene: KMT2E (lysine methyltransferase 2E (inactive); plus strand). Cytogenetic location: 7q22.3.
Variant type: single nucleotide variant.
Coding change: c.240A>C on transcript NM_182931.3 (MANE Select); coding-DNA position 240, A replaced by C.
Protein change: p.Pro80=; no amino-acid change (proline 80 retained).
Molecular consequence: synonymous variant.
Genome position (GRCh38, 1-based): chr7:105,063,404, A>C. VCF-style: chr7-105063404-A-C. GRCh37 (hg19) VCF-style: chr7-104703851-A-C.
Other names: c.240A>C, p.Pro80= (NM_001410908.1, NM_018682.4).
Identifiers: ClinVar variation 3339069 (VCV003339069.1).
Genomic context (GRCh38, chr7:105,063,404, plus strand): 5'-TATTCAGGACCATAATTATGGTGCTCGTCCTCCTCCGACACCTCCGGCTTCCCCTCCTCC[A>C]TCAGTCCTTATTAGCAAAAATGAAGTAGGCATATTTACCACTCCTAATTTTGATGAAACT-3'
Protein context (NP_891847.1, residues 70-90): PPPTPPASPP[Pro80=]SVLISKNEVG

ClinVar aggregate classification (germline): Uncertain significance (1 of 4 stars; one submission).

Submission:

Women's Health and Genetics/Laboratory Corporation of America, LabCorp
Classification: Uncertain significance. Last evaluated: 2024-07-08. Review status: criteria provided, single submitter. Criteria: LabCorp Variant Classification Summary - May 2015. Collection method: clinical testing. Allele origin: germline.
Comment: Variant summary: KMT2E c.240A>C alters a conserved nucleotide resulting in a synonymous change. Several computational tools predict a significant impact on normal splicing: three of four predict the variant strengthens a cryptic 3' acceptor site. However, these predictions have yet to be confirmed by functional studies. The variant was absent in 250664 control chromosomes (gnomAD). The available data on variant occurrences in the general population are insufficient to allow any conclusion about variant significance. To our knowledge, no occurrence of c.240A>C in individuals affected with O'Donnell-Luria-Rodan Syndrome and no experimental evidence demonstrating its impact on protein function have been reported. No submitters have cited clinical-significance assessments for this variant to ClinVar. Based on the evidence outlined above, the variant was classified as uncertain significance.